The following is an entry in ClinVar:

ClinVar aggregate classification (germline): Pathogenic (1 of 4 stars; one submission).

Conditions:
Ellis-van Creveld syndrome (EVC). Also called: MESOECTODERMAL DYSPLASIA; Chondroectodermal dysplasia. Identifiers: Orphanet 289, MedGen C0013903, MONDO:0009162, OMIM 225500.

Submission:

Myriad Genetics, Inc.
Classification: Pathogenic for Ellis-van Creveld syndrome. Last evaluated: 2026-04-24. Review status: criteria provided, single submitter. Criteria: Myriad Autosomal Dominant, Autosomal Recessive and X-Linked Classification Criteria (2023). Collection method: clinical testing. Allele origin: unknown.
Comment: NM_147127.4(EVC2):c.3381C>G(Y1127*) is expected to be pathogenic in the context of EVC2-related Ellis-van Creveld syndrome. This variant is predicted to lead to an abnormal or absent protein product due to the creation of a premature termination codon in EVC2, a gene where loss-of-function variants are known to be pathogenic. Please note: this variant was assessed in the context of healthy population screening.

NM_147127.5(EVC2):c.3381C>G (p.Tyr1127Ter)

Gene: EVC2 (EvC ciliary complex subunit 2; minus strand). Cytogenetic location: 4p16.2.
Variant type: single nucleotide variant.
Coding change: c.3381C>G on transcript NM_147127.5 (MANE Select); coding-DNA position 3381, C replaced by G.
Protein change: p.Tyr1127Ter; replaces tyrosine 1127 with a stop codon.
Molecular consequence: nonsense.
Genome position (GRCh38, 1-based): chr4:5,568,620, G>C on the plus strand (C>G on the coding strand, the complement: EVC2 is on the minus strand). VCF-style: chr4-5568620-G-C. GRCh37 (hg19) VCF-style: chr4-5570347-G-C.
Other names: c.3141C>G, p.Tyr1047Ter (NM_001166136.2); short protein forms Y1047*, Y1127*.
Identifiers: ClinVar variation 5015827 (VCV005015827.1).
Genomic context (GRCh38, chr4:5,568,620, plus strand): 5'-CAGTACCACACTCAGGAGCCGGCGAAGCGTGGCCCCGGGCACCATGGCCATCCTCGCCAG[G>C]TACGATGCCAGTCTCAGCTCCTACAGGAAACAACAGAGGGAGTTCAGACCCTCGCCGCCT-3'